The following is an entry in ClinVar:

NC_000006.11:g.(?_2833842)_(3089911_?)dup

Genes: NQO2 (N-ribosyldihydronicotinamide:quinone dehydrogenase 2; plus strand), RIPK1 (receptor interacting serine/threonine kinase 1; plus strand), SERPINB1 (serpin family B member 1; minus strand), SERPINB6 (serpin family B member 6; minus strand), SERPINB9 (serpin family B member 9; minus strand). Cytogenetic location: 6p25.2.
Variant type: Duplication.
Identifiers: ClinVar variation 3246173 (VCV003246173.1).

ClinVar aggregate classification (germline): Uncertain significance (1 of 4 stars; one submission).

Submission:

Labcorp Genetics (formerly Invitae), Labcorp
Classification: Uncertain significance. Last evaluated: 2023-11-18. Review status: criteria provided, single submitter. Criteria: Invitae Variant Classification Sherloc (09022015). Collection method: clinical testing. Allele origin: unknown.
Comment: This variant results in a copy number gain of the genomic region encompassing exon(s) 1-7 of the RIPK1 gene. This region includes the initiator codon of the gene. This copy number gain extends beyond the assayed region for this gene and therefore may encompass additional genes. As the precise location of this event is unknown, it may be in tandem or it may be located elsewhere in the genome. This variant has not been reported in the literature in individuals affected with RIPK1-related conditions. In summary, the available evidence is currently insufficient to determine the role of this variant in disease. Therefore, it has been classified as a Variant of Uncertain Significance.